The following is an entry in ClinVar:

ClinVar aggregate classification (germline): Uncertain significance (1 of 4 stars; one submission).

Submission:

Ambry Genetics
Classification: Uncertain significance. Last evaluated: 2023-01-14. Review status: criteria provided, single submitter. Criteria: Ambry Variant Classification Scheme 2023. Collection method: clinical testing. Allele origin: germline.
Comment: The p.L365V variant (also known as c.1093T>G), located in coding exon 10 of the BUB1 gene, results from a T to G substitution at nucleotide position 1093. The leucine at codon 365 is replaced by valine, an amino acid with highly similar properties. This amino acid position is conserved. In addition, this alteration is predicted to be tolerated by in silico analysis. Since supporting evidence is limited at this time, the clinical significance of this alteration remains unclear.

NM_004336.5(BUB1):c.1093T>G (p.Leu365Val)

Gene: BUB1 (BUB1 mitotic checkpoint serine/threonine kinase; minus strand). Cytogenetic location: 2q13.
Variant type: single nucleotide variant.
Coding change: c.1093T>G on transcript NM_004336.5 (MANE Select); coding-DNA position 1093, T replaced by G.
Protein change: p.Leu365Val; replaces leucine 365 with valine.
Molecular consequence: missense variant.
Genome position (GRCh38, 1-based): chr2:110,661,706, A>C on the plus strand (T>G on the coding strand, the complement: BUB1 is on the minus strand). VCF-style: chr2-110661706-A-C. GRCh37 (hg19) VCF-style: chr2-111419283-A-C.
Other names: c.1033T>G, p.Leu345Val (NM_001278616.2); c.1093T>G, p.Leu365Val (NM_001278617.2); short protein forms L345V, L365V.
Identifiers: ClinVar variation 2451256 (VCV002451256.2), dbSNP rs2468017454, ClinGen allele CA348214430.